The following is an entry in ClinVar:

NM_001171.6(ABCC6):c.1255C>T (p.Arg419Trp)

Gene: ABCC6 (ATP binding cassette subfamily C member 6; minus strand). Cytogenetic location: 16p13.11.
Variant type: single nucleotide variant.
Coding change: c.1255C>T on transcript NM_001171.6 (MANE Select); coding-DNA position 1255, C replaced by T.
Protein change: p.Arg419Trp; replaces arginine 419 with tryptophan.
Molecular consequence: missense variant. On other transcripts: non-coding transcript variant (1).
Genome position (GRCh38, 1-based): chr16:16,198,104, G>A on the plus strand (C>T on the coding strand, the complement: ABCC6 is on the minus strand). VCF-style: chr16-16198104-G-A. GRCh37 (hg19) VCF-style: chr16-16291961-G-A.
Other names: c.913C>T, p.Arg305Trp (NM_001351800.1); short protein forms R305W, R419W.
Identifiers: ClinVar variation 1067354 (VCV001067354.10), dbSNP rs775853778, ClinGen allele CA7926391.

ClinVar aggregate classification (germline): Pathogenic/Likely pathogenic. Review status: criteria provided, multiple submitters, no conflicts (2 of 4 stars). 4 submissions from 4 submitters: Pathogenic (1); Likely pathogenic (3). Last evaluated 2025-11-12.

Conditions:
Autosomal recessive inherited pseudoxanthoma elasticum (PXE). Identifiers: Orphanet 758, MedGen CN032334, MONDO:0009925, OMIM 264800.
Arterial calcification, generalized, of infancy, 2. Identifiers: Orphanet 51608, MedGen C3276161, MONDO:0013768, OMIM 614473.
Pseudoxanthoma elasticum, forme fruste. Also called: Pseudoxanthoma Elasticum, Incomplete; PSEUDOXANTHOMA ELASTICUM, HETEROZYGOUS. Identifiers: Orphanet 758, MedGen C1867450, MONDO:0008333, OMIM 177850.
ABCC6-related disorder. Also called: ABCC6-related condition.

Allele frequency attached by ClinVar (database versions not stated): gnomAD 0.00001; gnomAD exomes 0.00001 and 0.00002; TOPMed 0.00002; ExAC 0.00003.

Submissions (4):

Labcorp Genetics (formerly Invitae), Labcorp
Classification: Pathogenic. Last evaluated: 2025-11-12. Review status: criteria provided, single submitter. Criteria: Invitae Variant Classification Sherloc (09022015). Collection method: clinical testing. Allele origin: germline.
Comment: This sequence change replaces arginine, which is basic and polar, with tryptophan, which is neutral and slightly polar, at codon 419 of the ABCC6 protein (p.Arg419Trp). This variant is present in population databases (rs775853778, gnomAD 0.01%). This missense change has been observed in individual(s) with clinical features of ABCC6-related conditions (internal data). In at least one individual the data is consistent with being in trans (on the opposite chromosome) from a pathogenic variant. It has also been observed to segregate with disease in related individuals. ClinVar contains an entry for this variant (Variation ID: 1067354). Invitae Evidence Modeling of protein sequence and biophysical properties (such as structural, functional, and spatial information, amino acid conservation, physicochemical variation, residue mobility, and thermodynamic stability) indicates that this missense variant is expected to disrupt ABCC6 protein function with a positive predictive value of 80%. This variant disrupts the p.Arg419 amino acid residue in ABCC6. Other variant(s) that disrupt this residue have been determined to be pathogenic (PMID: 19284998, 28912966). This suggests that this residue is clinically significant, and that variants that disrupt this residue are likely to be disease-causing. For these reasons, this variant has been classified as Pathogenic.

Fulgent Genetics
Classification: Likely pathogenic for Pseudoxanthoma elasticum, forme fruste; Autosomal recessive inherited pseudoxanthoma elasticum; Arterial calcification, generalized, of infancy, 2. Last evaluated: 2024-04-24. Review status: criteria provided, single submitter. Criteria: ACMG Guidelines, 2015. Collection method: clinical testing. Allele origin: germline.

Blueprint Genetics
Classification: Likely pathogenic for ABCC6-related disorders. Last evaluated: 2021-12-03. Review status: criteria provided, single submitter. Criteria: ACMG Guidelines, 2015. Collection method: clinical testing. Allele origin: germline. Affected: yes. Observed: 1 variant allele.

Neuberg Centre For Genomic Medicine, NCGM
Classification: Likely pathogenic for Autosomal recessive inherited pseudoxanthoma elasticum. Review status: criteria provided, single submitter. Criteria: ACMG Guidelines, 2015. Collection method: clinical testing. Allele origin: germline. Affected: yes.
Comment: The missense variant p.R419W in ABCC6 (NM_001171.6) has been reported in previously in compound heterozygous state in patients affected with Angioid Streaks (Katagiri et al, 2017). Advanced modeling of protein sequence and biophysical properties (such as structural, functional, and spatial information, amino acid conservation, physicochemical variation, residue mobility, and thermodynamic stability) indicates that this missense variant is expected to disrupt ABCC6 protein function. This variant disrupts the p.Arg419 amino acid residue in ABCC6. There is a moderate physicochemical difference between arginine and tryptophan. The p.Arg419Trp variant is novel (not in any individuals) in 1000 Genomes. The variant is predicted to be damaging by both SIFT and PolyPhen2. The residue is conserved across species. The amino acid change p.Arg419Trp in ABCC6 is predicted as conserved by GERP++ and PhyloP across 100 vertebrates. For these reasons, this variant has been classified as Likely Pathogenic.

Literature cited by the submitters: PubMed 19284998 (cited by Labcorp Genetics (formerly Invitae), Labcorp); PubMed 28912966 (cited by Labcorp Genetics (formerly Invitae), Labcorp).